The following is an entry in ClinVar:

ClinVar aggregate classification (germline): Uncertain significance. Review status: criteria provided, multiple submitters, no conflicts (2 of 4 stars). 2 submissions from 2 submitters: Uncertain significance (2). Last evaluated 2022-06-27.

Conditions:
Oculocutaneous albinism type 3 (OCA3). Also called: Rufous OCA; Rufous albinism; ALBINISM III; RUFOUS OCULOCUTANEOUS ALBINISM; XANTHISM; Albinism, oculocutaneous, type III. Identifiers: Orphanet 79433, MedGen C0342683, MONDO:0008747, OMIM 203290.

Allele frequency attached by ClinVar (database versions not stated): ExAC 0.00003; gnomAD exomes 0.00004; gnomAD 0.00005 and 0.00006; TOPMed 0.00010.
gnomAD v4.1: 183 of 1,612,234 alleles (0.011%); highest among the groups gnomAD compares: Non-Finnish European, 0.014%; no homozygotes.

Submissions (2):

Labcorp Genetics (formerly Invitae), Labcorp
Classification: Uncertain significance. Last evaluated: 2022-06-27. Review status: criteria provided, single submitter. Criteria: Invitae Variant Classification Sherloc (09022015). Collection method: clinical testing. Allele origin: germline.
Comment: This sequence change replaces threonine, which is neutral and polar, with methionine, which is neutral and non-polar, at codon 366 of the TYRP1 protein (p.Thr366Met). This variant is present in population databases (rs199823942, gnomAD 0.01%). This variant has not been reported in the literature in individuals affected with TYRP1-related conditions. ClinVar contains an entry for this variant (Variation ID: 913643). Algorithms developed to predict the effect of missense changes on protein structure and function output the following: SIFT: "Deleterious"; PolyPhen-2: "Benign"; Align-GVGD: "Class C0". The methionine amino acid residue is found in multiple mammalian species, which suggests that this missense change does not adversely affect protein function. In summary, the available evidence is currently insufficient to determine the role of this variant in disease. Therefore, it has been classified as a Variant of Uncertain Significance.

Illumina Laboratory Services, Illumina
Classification: Uncertain significance for Oculocutaneous albinism type 3. Last evaluated: 2017-04-27. Review status: criteria provided, single submitter. Criteria: ICSL Variant Classification Criteria 13 December 2019. Collection method: clinical testing. Allele origin: germline.

NM_000550.3(TYRP1):c.1097C>T (p.Thr366Met)

Genes: LURAP1L-AS1 (LURAP1L antisense RNA 1; minus strand), TYRP1 (tyrosinase related protein 1; plus strand). Cytogenetic location: 9p23.
Variant type: single nucleotide variant.
Coding change: c.1097C>T on transcript NM_000550.3 (MANE Select); coding-DNA position 1097, C replaced by T.
Protein change: p.Thr366Met; replaces threonine 366 with methionine.
Molecular consequence: missense variant.
Genome position (GRCh38, 1-based): chr9:12,704,541, C>T. VCF-style: chr9-12704541-C-T. GRCh37 (hg19) VCF-style: chr9-12704541-C-T.
Other names: short protein forms T366M.
Identifiers: ClinVar variation 913643 (VCV000913643.6), dbSNP rs199823942, ClinGen allele CA4985447.